The following is an entry in ClinVar:

NM_000268.4(NF2):c.734A>G (p.Asp245Gly)

Gene: NF2 (NF2, moesin-ezrin-radixin like (MERLIN) tumor suppressor; plus strand). Cytogenetic location: 22q12.2.
Variant type: single nucleotide variant.
Coding change: c.734A>G on transcript NM_000268.4 (MANE Select); coding-DNA position 734, A replaced by G.
Protein change: p.Asp245Gly; replaces aspartic acid 245 with glycine.
Molecular consequence: missense variant. On other transcripts: non-coding transcript variant (1), intron variant (4).
Genome position (GRCh38, 1-based): chr22:29,661,263, A>G. VCF-style: chr22-29661263-A-G. GRCh37 (hg19) VCF-style: chr22-30057252-A-G.
Other names: c.620A>G, p.Asp207Gly (NM_001407053.1, NM_001407056.1); c.611A>G, p.Asp204Gly (NM_001407054.1, NM_001407058.1, NM_181829.3); c.608A>G, p.Asp203Gly (NM_001407055.1, NM_181828.3); c.734A>G, p.Asp245Gly (NM_001407060.1, NM_001407066.1, NM_016418.5 and 2 more transcripts); c.485A>G, p.Asp162Gly (NM_001407063.1, NM_001407064.1, NM_181830.3 and 1 more transcripts); c.200A>G, p.Asp67Gly (NM_001407065.1); c.503A>G, p.Asp168Gly (NM_001407067.1); c.675+2999A>G (NM_001407059.1, NM_001407057.1); and 2 more; short protein forms D204G, D207G, D162G, D203G, D67G, D168G, D245G.
Identifiers: ClinVar variation 2615173 (VCV002615173.5), dbSNP rs2147009125, ClinGen allele CA411143852.
Genomic context (GRCh38, chr22:29,661,263, plus strand): 5'-AGAATAAAAAGGGCACAGAGCTGCTGCTTGGAGTGGATGCCCTGGGGCTTCACATTTATG[A>G]CCCTGAGAACAGACTGACCCCCAAGATCTCCTTCCCGTGGAATGAAATCCGAAACATCTC-3'
Protein context (NP_000259.1, residues 235-255): GVDALGLHIY[Asp245Gly]PENRLTPKIS

ClinVar aggregate classification (germline): Uncertain significance. Review status: criteria provided, multiple submitters, no conflicts (2 of 4 stars). 2 submissions from 2 submitters: Uncertain significance (2). Last evaluated 2025-10-07.

Conditions:
Neurofibromatosis, type 2 (SWNV). Also called: BILATERAL ACOUSTIC NEUROFIBROMATOSIS; SCHWANNOMATOSIS, VESTIBULAR; NF2-Related Schwannomatosis. Identifiers: Orphanet 637, MedGen C0027832, MONDO:0007039, OMIM 101000. Disease mechanism: loss of function.
Hereditary cancer-predisposing syndrome. Also called: Neoplastic Syndromes, Hereditary; Hereditary Cancer Syndrome; Tumor predisposition; Hereditary neoplastic syndrome. Identifiers: Orphanet 140162, MedGen C0027672, MeSH D009386, MONDO:0015356.

Allele frequency attached by ClinVar (database versions not stated): gnomAD exomes below 0.00001.
gnomAD v4.1: 1 of 1,614,218 alleles (0.000062%); highest among the groups gnomAD compares: Non-Finnish European, 0.000085%; no homozygotes.

Submissions (2):

Labcorp Genetics (formerly Invitae), Labcorp
Classification: Uncertain significance for Neurofibromatosis, type 2. Last evaluated: 2025-10-07. Review status: criteria provided, single submitter. Criteria: Invitae Variant Classification Sherloc (09022015). Collection method: clinical testing. Allele origin: germline.
Comment: This sequence change replaces aspartic acid, which is acidic and polar, with glycine, which is neutral and non-polar, at codon 245 of the NF2 protein (p.Asp245Gly). This variant is not present in population databases (gnomAD no frequency). This variant has not been reported in the literature in individuals affected with NF2-related conditions. ClinVar contains an entry for this variant (Variation ID: 2615173). Invitae Evidence Modeling of protein sequence and biophysical properties (such as structural, functional, and spatial information, amino acid conservation, physicochemical variation, residue mobility, and thermodynamic stability) indicates that this missense variant is not expected to disrupt NF2 protein function with a negative predictive value of 80%. In summary, the available evidence is currently insufficient to determine the role of this variant in disease. Therefore, it has been classified as a Variant of Uncertain Significance.

Ambry Genetics
Classification: Uncertain significance for Hereditary cancer-predisposing syndrome. Last evaluated: 2023-07-10. Review status: criteria provided, single submitter. Criteria: Ambry Variant Classification Scheme 2023. Collection method: clinical testing. Allele origin: germline.
Comment: The p.D245G variant (also known as c.734A>G), located in coding exon 8 of the NF2 gene, results from an A to G substitution at nucleotide position 734. The aspartic acid at codon 245 is replaced by glycine, an amino acid with similar properties. This amino acid position is conserved. In addition, the in silico prediction for this alteration is inconclusive. Since supporting evidence is limited at this time, the clinical significance of this alteration remains unclear.